The following is an entry in ClinVar:

NM_006941.4(SOX10):c.-55G>A

Genes: POLR2F (RNA polymerase II, I and III subunit F; plus strand), SOX10 (SRY-box transcription factor 10; minus strand). Cytogenetic location: 22q13.1.
Variant type: single nucleotide variant.
Coding change: c.-55G>A on transcript NM_006941.4 (MANE Select); 55 bases upstream of the start codon, G replaced by A.
Molecular consequence: 5 prime UTR variant. On other transcripts: intron variant (3).
Genome position (GRCh38, 1-based): chr22:37,983,839, C>T on the plus strand (G>A on the coding strand, the complement: SOX10 is on the minus strand). VCF-style: chr22-37983839-C-T. GRCh37 (hg19) VCF-style: chr22-38379846-C-T.
Other names: c.*38+11529C>T (NM_001363825.1); c.294-2315C>T (NM_001301130.2); c.293+16669C>T (NM_001301131.2).
Identifiers: ClinVar variation 4822421 (VCV004822421.4).

ClinVar aggregate classification (germline): Likely benign (1 of 4 stars; one submission).

gnomAD v4.1: 19 of 1,332,758 alleles (0.0014%); highest among the groups gnomAD compares: Non-Finnish European, 0.0016%; no homozygotes.

Submission:

CeGaT Center for Human Genetics Tuebingen
Classification: Likely benign. Last evaluated: 2026-01-01. Review status: criteria provided, single submitter. Criteria: CeGaT Center For Human Genetics Tuebingen Variant Classification Criteria Version 2. Collection method: clinical testing. Allele origin: germline. Affected: yes. Observed: 1 variant allele.
Comment: SOX10: BP4, BP7